The following is an entry in ClinVar:

NM_023067.4(FOXL2):c.314_319del (p.Asn105_Leu106del)

Gene: FOXL2 (forkhead box L2; minus strand). Cytogenetic location: 3q22.3.
Variant type: Deletion.
Coding change: c.314_319del on transcript NM_023067.4 (MANE Select); coding-DNA positions 314 to 319, 6 bases deleted (ACCTCA; older notation c.314_319delACCTCA).
Protein change: p.Asn105_Leu106del.
Molecular consequence: inframe deletion.
Genome position (GRCh38, 1-based): chr3:138,946,404-138,946,409, TGAGGT deleted on the plus strand (ACCTCA on the coding strand, the reverse complement: FOXL2 is on the minus strand); deleting any 6 consecutive bases within chr3:138,946,404-138,946,411 gives the same sequence; the c. name uses the placement nearest the transcript's 3' end. VCF-style (leftmost placement, unchanged base first): chr3-138946403-CTGAGGT-C. GRCh37 (hg19) VCF-style: chr3-138665245-CTGAGGT-C.
Identifiers: ClinVar variation 369904 (VCV000369904.1), dbSNP rs1057516155, ClinGen allele CA10654889.

ClinVar aggregate classification (germline): Uncertain significance (1 of 4 stars; one submission).

Conditions:
Blepharophimosis, ptosis, and epicanthus inversus syndrome. Identifiers: Orphanet 126, MedGen C0220663, MONDO:0007201, OMIM 110100.

Submission:

Genomic Diagnostic Laboratory, Division of Genomic Diagnostics, Children's Hospital of Philadelphia
Classification: Uncertain significance for Blepharophimosis, ptosis, and epicanthus inversus syndrome. Last evaluated: 2016-11-03. Review status: criteria provided, single submitter. Criteria: DGD Variant Analysis Guidelines. Collection method: clinical testing. Allele origin: germline. Affected: yes. Observed: 1 variant allele.
Comment: Clinical Testing